The following is an entry in ClinVar:

ClinVar aggregate classification (germline): Uncertain significance. Review status: criteria provided, multiple submitters, no conflicts (2 of 4 stars). 2 submissions from 2 submitters: Uncertain significance (2). Last evaluated 2025-08-26.

Conditions:
Inborn genetic diseases. Identifiers: MedGen C0950123, MeSH D030342.

Allele frequency attached by ClinVar (database versions not stated): TOPMed below 0.00001.

Submissions (2):

Ambry Genetics
Classification: Uncertain significance for Inborn genetic diseases. Last evaluated: 2025-08-26. Review status: criteria provided, single submitter. Criteria: Ambry Variant Classification Scheme 2023. Collection method: clinical testing. Allele origin: germline.

GeneDx
Classification: Uncertain significance. Last evaluated: 2023-02-06. Review status: criteria provided, single submitter. Criteria: GeneDx Variant Classification Process June 2021. Collection method: clinical testing. Allele origin: germline. Affected: yes.
Comment: Not observed at significant frequency in large population cohorts (gnomAD); In silico analysis supports that this missense variant does not alter protein structure/function; Has not been previously published as pathogenic or benign to our knowledge; Variants in candidate genes are classified as variants of uncertain significance in accordance with ACMG guidelines (Richards et al., 2015)

NM_005475.3(SH2B3):c.703C>T (p.Arg235Cys)

Gene: SH2B3 (SH2B adaptor protein 3; plus strand). Cytogenetic location: 12q24.12.
Variant type: single nucleotide variant.
Coding change: c.703C>T on transcript NM_005475.3 (MANE Select); coding-DNA position 703, C replaced by T.
Protein change: p.Arg235Cys; replaces arginine 235 with cysteine.
Molecular consequence: missense variant.
Genome position (GRCh38, 1-based): chr12:111,418,848, C>T. VCF-style: chr12-111418848-C-T. GRCh37 (hg19) VCF-style: chr12-111856652-C-T.
Other names: short protein forms R235C.
Identifiers: ClinVar variation 2382439 (VCV002382439.5), dbSNP rs895450742, ClinGen allele CA243602986.
Genomic context (GRCh38, chr12:111,418,848, plus strand): 5'-GCACGCTGGCAGCGCGGGAGGCTGGCGCTGCGCCGGGCCCCGGGCCCCGATGGCCCCGAC[C>T]GCGTGCTGGAGCTCTTCGACCCACCCAAGGTAAGTAAGCCCTGCCCGCGGGGTTGCGCAC-3'
Protein context (NP_005466.1, residues 225-245): RRAPGPDGPD[Arg235Cys]VLELFDPPKS